The following is an entry in ClinVar:

ClinVar aggregate classification (germline): Uncertain significance (1 of 4 stars; one submission).

gnomAD v4.1: 3 of 1,592,494 alleles (0.00019%); highest among the groups gnomAD compares: African/African-American, 0.0041%; no homozygotes.

Submission:

GeneDx
Classification: Uncertain significance. Last evaluated: 2026-04-24. Review status: criteria provided, single submitter. Criteria: GeneDx Variant Classification Process June 2021. Collection method: clinical testing. Allele origin: germline.
Comment: Not observed at significant frequency in large population cohorts (gnomAD); In silico analysis suggests that this missense variant does not alter protein structure/function; Has not been previously published as pathogenic or benign to our knowledge

NM_003793.4(CTSF):c.224G>A (p.Gly75Glu)

Gene: CTSF (cathepsin F; minus strand). Cytogenetic location: 11q13.2.
Variant type: single nucleotide variant.
Coding change: c.224G>A on transcript NM_003793.4 (MANE Select); coding-DNA position 224, G replaced by A.
Protein change: p.Gly75Glu; replaces glycine 75 with glutamic acid.
Molecular consequence: missense variant.
Genome position (GRCh38, 1-based): chr11:66,568,072, C>T on the plus strand (G>A on the coding strand, the complement: CTSF is on the minus strand). VCF-style: chr11-66568072-C-T. GRCh37 (hg19) VCF-style: chr11-66335543-C-T.
Other names: short protein forms G75E.
Identifiers: ClinVar variation 5037481 (VCV005037481.1).
Genomic context (GRCh38, chr11:66,568,072, plus strand): 5'-CACACCATGGGGTCGTTGCAGGGTGGCTCCTCCAGGGTGGCCTCCAGGGAGTACAGCGAC[C>T]CCTGACCCGCCTGGAGAGAGGAGTAGGTGAGGCGGGCACAGTCGGCCCTTGACGGCGCCC-3'
Protein context (NP_003784.2, residues 65-85): VRGRVRRAGQ[Gly75Glu]SLYSLEATLE